The following is an entry in ClinVar:

ClinVar aggregate classification (germline): Conflicting classifications of pathogenicity. Review status: criteria provided, conflicting classifications (1 of 4 stars). 3 submissions from 3 submitters: Uncertain significance (1); Likely benign (2). Last evaluated 2025-04-25.

Conditions:
PDE6B-related disorder. Also called: PDE6B-related disease; PDE6B-related condition; PDE6B-related disorders.

Allele frequency attached by ClinVar (database versions not stated): TOPMed 0.00001; gnomAD 0.00005; gnomAD exomes 0.00013 and 0.00022; 1000 Genomes Project 30x 0.00016; 1000 Genomes Project 0.00020; ExAC 0.00022.
gnomAD v4.1: 188 of 1,612,996 alleles (0.012%); highest among the groups gnomAD compares: South Asian, 0.18%; 2 homozygotes.

Submissions (3):

PreventionGenetics, part of Exact Sciences
Classification: Likely benign for PDE6B-related condition. Last evaluated: 2025-04-25. Review status: criteria provided, single submitter. Criteria: ACMG Guidelines, 2015. Collection method: clinical testing. Allele origin: germline.
Comment: This variant is classified as likely benign based on ACMG/AMP sequence variant interpretation guidelines (Richards et al. 2015 PMID: 25741868, with internal and published modifications).

Labcorp Genetics (formerly Invitae), Labcorp
Classification: Likely benign. Last evaluated: 2024-09-09. Review status: criteria provided, single submitter. Criteria: Invitae Variant Classification Sherloc (09022015). Collection method: clinical testing. Allele origin: germline.

Blueprint Genetics
Classification: Uncertain significance. Last evaluated: 2024-06-28. Review status: criteria provided, single submitter. Criteria: ACMG Guidelines, 2015. Collection method: clinical testing. Allele origin: germline.

NM_000283.4(PDE6B):c.1253T>C (p.Met418Thr)

Gene: PDE6B (phosphodiesterase 6B; plus strand). Cytogenetic location: 4p16.3.
Variant type: single nucleotide variant.
Coding change: c.1253T>C on transcript NM_000283.4 (MANE Select); coding-DNA position 1253, T replaced by C.
Protein change: p.Met418Thr; replaces methionine 418 with threonine.
Molecular consequence: missense variant.
Genome position (GRCh38, 1-based): chr4:657,019, T>C. VCF-style: chr4-657019-T-C. GRCh37 (hg19) VCF-style: chr4-650808-T-C.
Other names: c.1253T>C, p.Met418Thr (NM_001145291.2); c.416T>C, p.Met139Thr (NM_001145292.2, NM_001350154.3, NM_001379246.1 and 1 more transcripts); c.98T>C, p.Met33Thr (NM_001350155.3); c.1253T>C (NM_000283.3); short protein forms M139T, M33T, M418T.
Identifiers: ClinVar variation 1486300 (VCV001486300.8), dbSNP rs201691661, ClinGen allele CA2794402.